The following is an entry in ClinVar:

ClinVar aggregate classification (germline): Likely benign. Review status: criteria provided, multiple submitters, no conflicts (2 of 4 stars). 3 submissions from 3 submitters: Likely benign (3). Last evaluated 2026-04-01.

Allele frequency attached by ClinVar (database versions not stated): gnomAD 0.00021; ESP Exome Variant Server 0.00022; gnomAD exomes 0.00022; ExAC 0.00063.
gnomAD v4.1: 357 of 1,551,446 alleles (0.023%); highest among the groups gnomAD compares: Middle Eastern, 0.05%; 1 homozygote.

Submissions (3):

CeGaT Center for Human Genetics Tuebingen
Classification: Likely benign. Last evaluated: 2026-04-01. Review status: criteria provided, single submitter. Criteria: CeGaT Center For Human Genetics Tuebingen Variant Classification Criteria Version 2. Collection method: clinical testing. Allele origin: germline. Affected: yes. Observed: 4 variant alleles.
Comment: KCNMA1: BP4, BP7

ARUP Laboratories, Molecular Genetics and Genomics, ARUP Laboratories
Classification: Likely benign. Last evaluated: 2025-04-18. Review status: criteria provided, single submitter. Criteria: ARUP Molecular Germline Variant Investigation Process 2024. Collection method: clinical testing. Allele origin: germline.

Blueprint Genetics
Classification: Likely benign. Last evaluated: 2024-11-22. Review status: criteria provided, single submitter. Criteria: ACMG Guidelines, 2015. Collection method: clinical testing. Allele origin: germline.

NM_001161352.2(KCNMA1):c.2484+1659G>A

Genes: KCNMA1 (potassium calcium-activated channel subfamily M alpha 1; minus strand), KCNMA1-AS1 (KCNMA1 antisense RNA 1; plus strand). Cytogenetic location: 10q22.3.
Variant type: single nucleotide variant.
Coding change: c.2484+1659G>A on transcript NM_001161352.2 (MANE Select); 1659 bases into the intron after coding-DNA position 2484, G replaced by A.
Molecular consequence: intron variant. On other transcripts: synonymous variant (1).
Genome position (GRCh38, 1-based): chr10:76,952,142, C>T on the plus strand (G>A on the coding strand, the complement: KCNMA1 is on the minus strand). VCF-style: chr10-76952142-C-T. GRCh37 (hg19) VCF-style: chr10-78711900-C-T.
Other names: c.2328G>A, p.Pro776= (NM_001161353.2); c.2160+1659G>A (NM_001271518.2); c.2310+1659G>A (NM_001322832.2, NM_001410940.1, NM_002247.4); c.2319+1659G>A (NM_001322829.2, NM_001322836.2, NM_001271519.2); c.2322+1659G>A (NM_001014797.3, NM_001322835.2, NM_001322837.2); c.2331+1659G>A (NM_001322830.2); c.1857+1659G>A (NM_001322838.2).
Identifiers: ClinVar variation 2640616 (VCV002640616.26), dbSNP rs370942695, ClinGen allele CA5568072.